The following is an entry in ClinVar:

NM_030632.3(ASXL3):c.1725del (p.Ser576fs)

Gene: ASXL3 (ASXL transcriptional regulator 3; plus strand). Cytogenetic location: 18q12.1.
Variant type: Deletion.
Coding change: c.1725del on transcript NM_030632.3 (MANE Select); coding-DNA position 1725, one base deleted (G; older notation c.1725delG).
Protein change: p.Ser576fs; shifts the reading frame from serine 576.
Molecular consequence: frameshift variant.
Genome position (GRCh38, 1-based): chr18:33,739,129, G deleted; the last of 3 consecutive G bases (chr18:33,739,127-33,739,129); deleting any one gives the same sequence. VCF-style (leftmost placement, unchanged base first): chr18-33739126-AG-A. GRCh37 (hg19) VCF-style: chr18-31319090-AG-A.
Other names: short protein forms S576fs.
Identifiers: ClinVar variation 4292004 (VCV004292004.1).

ClinVar aggregate classification (germline): Likely pathogenic (1 of 4 stars; one submission).

Conditions:
Bainbridge-Ropers syndrome. Also called: Severe feeding difficulties-failure to thrive-microcephaly due to ASXL3 deficiency syndrome. Identifiers: Orphanet 352577, MedGen C4750837, MONDO:0014205, OMIM 615485.

Submission:

3billion
Classification: Likely pathogenic for Bainbridge-Ropers syndrome. Last evaluated: 2024-06-20. Review status: criteria provided, single submitter. Criteria: ACMG Guidelines, 2015. Collection method: clinical testing. Allele origin: germline. Affected: yes.
Comment: The variant is not observed in the gnomAD v4.0.0 dataset. Predicted Consequence/Location: Frameshift: predicted to result in a loss or disruption of normal protein function through nonsense-mediated decay (NMD) or protein truncation. Multiple pathogenic variants are reported downstream of the variant. Therefore, this variant is classified as Likely pathogenic according to the recommendation of ACMG/AMP guideline.